The following is an entry in ClinVar:

ClinVar aggregate classification (germline): Pathogenic (1 of 4 stars; one submission).

Conditions:
Wolman disease (WOLD). Also called: Wolman disease with hypolipoproteinemia and acanthocytosis; Acid cholesteryl ester hydrolase deficiency, Wolman type; Acid lipase disease; LYSOSOMAL ACID LIPASE DEFICIENCY, ACUTE INFANTILE; LYSOSOMAL ACID LIPASE DEFICIENCY, COMPLETE; LIPA DEFICIENCY, COMPLETE. Identifiers: Orphanet 75233, MedGen C0043208, MONDO:0019148, OMIM 620151.

Submission:

Labcorp Genetics (formerly Invitae), Labcorp
Classification: Pathogenic for Wolman disease. Last evaluated: 2023-11-06. Review status: criteria provided, single submitter. Criteria: Invitae Variant Classification Sherloc (09022015). Collection method: clinical testing. Allele origin: germline.
Comment: This sequence change creates a premature translational stop signal (p.Pro202Glyfs*11) in the LIPA gene. It is expected to result in an absent or disrupted protein product. Loss-of-function variants in LIPA are known to be pathogenic (PMID: 23485521). This variant is not present in population databases (gnomAD no frequency). This variant has not been reported in the literature in individuals affected with LIPA-related conditions. ClinVar contains an entry for this variant (Variation ID: 1459690). For these reasons, this variant has been classified as Pathogenic.

Literature cited by the submitters: PubMed 23485521.

NM_000235.4(LIPA):c.600_603dup (p.Pro202fs)

Gene: LIPA (lipase A, lysosomal acid type; minus strand). Cytogenetic location: 10q23.31.
Variant type: Duplication.
Coding change: c.600_603dup on transcript NM_000235.4 (MANE Select); coding-DNA positions 600 to 603, 4 bases duplicated (GGGT; older notation c.600_603dupGGGT).
Protein change: p.Pro202fs; shifts the reading frame from proline 202.
Molecular consequence: frameshift variant.
Genome position (GRCh38, 1-based): chr10:89,225,164-89,225,167, ACCC duplicated on the plus strand (GGGT on the coding strand, the reverse complement: LIPA is on the minus strand); duplicating any 4 consecutive bases within chr10:89,225,164-89,225,168 gives the same sequence; the c. name uses the placement nearest the transcript's 3' end. VCF-style (leftmost placement, unchanged base first): chr10-89225163-G-GACCC. GRCh37 (hg19) VCF-style: chr10-90984920-G-GACCC.
Other names: c.600_603dup, p.Pro202fs (NM_001127605.3); c.252_255dup, p.Pro86fs (NM_001288979.2); short protein forms P202fs, P86fs.
Identifiers: ClinVar variation 1459690 (VCV001459690.6), dbSNP rs2133429569, ClinGen allele CA2573145918.